The following is an entry in ClinVar:

ClinVar aggregate classification (germline): Uncertain significance. Review status: criteria provided, multiple submitters, no conflicts (2 of 4 stars). 4 submissions from 4 submitters: Uncertain significance (4). Last evaluated 2026-09-11.

Conditions:
Inborn genetic diseases. Identifiers: MedGen C0950123, MeSH D030342.
Van Maldergem syndrome 2 (VMLDS2). Identifiers: Orphanet 314679, MedGen C3809875, MONDO:0014242, OMIM 615546.
Hennekam lymphangiectasia-lymphedema syndrome 2 (HKLLS2). Identifiers: Orphanet 2136, MedGen C4014939, MONDO:0014454, OMIM 616006.

Allele frequency attached by ClinVar (database versions not stated): ExAC 0.00002; TOPMed 0.00003; gnomAD exomes 0.00004; ESP Exome Variant Server 0.00008; gnomAD 0.00004.
gnomAD v4.1: 62 of 1,613,926 alleles (0.0038%); highest among the groups gnomAD compares: African/African-American, 0.0067%; no homozygotes.

Submissions (4):

Ambry Genetics
Classification: Uncertain significance for Inborn genetic diseases. Last evaluated: 2026-09-11. Review status: criteria provided, single submitter. Criteria: Ambry Variant Classification Scheme 2023. Collection method: clinical testing. Allele origin: germline.

Labcorp Genetics (formerly Invitae), Labcorp
Classification: Uncertain significance. Last evaluated: 2026-01-18. Review status: criteria provided, single submitter. Criteria: Invitae Variant Classification Sherloc (09022015). Collection method: clinical testing. Allele origin: germline.
Comment: This sequence change replaces glutamic acid, which is acidic and polar, with lysine, which is basic and polar, at codon 3161 of the FAT4 protein (p.Glu3161Lys). This variant is present in population databases (rs370088878, gnomAD 0.007%). This variant has not been reported in the literature in individuals affected with FAT4-related conditions. ClinVar contains an entry for this variant (Variation ID: 2145545). Invitae Evidence Modeling of protein sequence and biophysical properties (such as structural, functional, and spatial information, amino acid conservation, physicochemical variation, residue mobility, and thermodynamic stability) indicates that this missense variant is not expected to disrupt FAT4 protein function with a negative predictive value of 95%. In summary, the available evidence is currently insufficient to determine the role of this variant in disease. Therefore, it has been classified as a Variant of Uncertain Significance.

GeneDx
Classification: Uncertain significance. Last evaluated: 2025-07-16. Review status: criteria provided, single submitter. Criteria: GeneDx Variant Classification Process June 2021. Collection method: clinical testing. Allele origin: germline. Affected: yes.
Comment: Not observed at significant frequency in large population cohorts (gnomAD); In silico analysis suggests that this missense variant does not alter protein structure/function; Has not been previously published as pathogenic or benign to our knowledge

Fulgent Genetics
Classification: Uncertain significance for Van Maldergem syndrome 2; Hennekam lymphangiectasia-lymphedema syndrome 2. Last evaluated: 2024-02-16. Review status: criteria provided, single submitter. Criteria: ACMG Guidelines, 2015. Collection method: clinical testing. Allele origin: germline.

NM_001291303.3(FAT4):c.9487G>A (p.Glu3163Lys)

Gene: FAT4 (FAT atypical cadherin 4; plus strand). Cytogenetic location: 4q28.1.
Variant type: single nucleotide variant.
Coding change: c.9487G>A on transcript NM_001291303.3 (MANE Select); coding-DNA position 9487, G replaced by A.
Protein change: p.Glu3163Lys; replaces glutamic acid 3163 with lysine.
Molecular consequence: missense variant.
Genome position (GRCh38, 1-based): chr4:125,450,497, G>A. VCF-style: chr4-125450497-G-A. GRCh37 (hg19) VCF-style: chr4-126371652-G-A.
Other names: c.9481G>A (NM_024582.5, NM_024582.4); c.9487G>A, p.Glu3163Lys (NM_001291285.3); c.9481G>A, p.Glu3161Lys (NM_024582.6); short protein forms E3161K, E3163K.
Identifiers: ClinVar variation 2145545 (VCV002145545.5), dbSNP rs370088878, ClinGen allele CA3073532.